The following is an entry in ClinVar:

NM_001348768.2(HECW2):c.3683A>G (p.Asp1228Gly)

Gene: HECW2 (HECT, C2 and WW domain containing E3 ubiquitin protein ligase 2; minus strand). Cytogenetic location: 2q32.3.
Variant type: single nucleotide variant.
Coding change: c.3683A>G on transcript NM_001348768.2 (MANE Select); coding-DNA position 3683, A replaced by G.
Protein change: p.Asp1228Gly; replaces aspartic acid 1228 with glycine.
Molecular consequence: missense variant.
Genome position (GRCh38, 1-based): chr2:196,240,530, T>C on the plus strand (A>G on the coding strand, the complement: HECW2 is on the minus strand). VCF-style: chr2-196240530-T-C. GRCh37 (hg19) VCF-style: chr2-197105254-T-C.
Other names: c.2615A>G, p.Asp872Gly (NM_001304840.3); c.3683A>G, p.Asp1228Gly (NM_020760.4); short protein forms D1228G, D872G.
Identifiers: ClinVar variation 1303250 (VCV001303250.2), dbSNP rs2105878957, ClinGen allele CA349954161.

ClinVar aggregate classification (germline): Uncertain significance (1 of 4 stars; one submission).

Allele frequency attached by ClinVar (database versions not stated): gnomAD exomes below 0.00001.
gnomAD v4.1: 1 of 1,611,142 alleles (0.000062%); highest among the groups gnomAD compares: Non-Finnish European, 0.000085%; no homozygotes.

Submission:

GeneDx
Classification: Uncertain significance. Last evaluated: 2019-07-25. Review status: criteria provided, single submitter. Criteria: GeneDx Variant Classification Process June 2021. Collection method: clinical testing. Allele origin: germline. Affected: yes.
Comment: Not observed in large population cohorts (Lek et al., 2016); In silico analysis, which includes protein predictors and evolutionary conservation, supports a deleterious effect; Has not been previously published as pathogenic or benign to our knowledge